The following is an entry in ClinVar:

NM_001378454.1(ALMS1):c.6119C>T (p.Ser2040Phe)

Gene: ALMS1 (ALMS1 centrosome and basal body associated protein; plus strand). Cytogenetic location: 2p13.1.
Variant type: single nucleotide variant.
Coding change: c.6119C>T on transcript NM_001378454.1 (MANE Select); coding-DNA position 6119, C replaced by T.
Protein change: p.Ser2040Phe; replaces serine 2040 with phenylalanine.
Molecular consequence: missense variant.
Genome position (GRCh38, 1-based): chr2:73,452,646, C>T. VCF-style: chr2-73452646-C-T. GRCh37 (hg19) VCF-style: chr2-73679773-C-T.
Other names: c.6122C>T, p.Ser2041Phe (NM_015120.4); short protein forms S2040F, S2041F.
Identifiers: ClinVar variation 4990548 (VCV004990548.1).

ClinVar aggregate classification (germline): Uncertain significance (1 of 4 stars; one submission).

Conditions:
ALMS1-related disorder. Also called: ALMS1-related condition.

Submission:

PreventionGenetics, part of Exact Sciences
Classification: Uncertain significance for ALMS1-related condition. Last evaluated: 2026-05-08. Review status: criteria provided, single submitter. Criteria: ACMG Guidelines, 2015. Collection method: clinical testing. Allele origin: germline.
Comment: The ALMS1 c.6122C>T variant is predicted to result in the amino acid substitution p.Thr2041Ile. To our knowledge, this variant has not been reported in the literature. This variant is reported in 0.020% of alleles in individuals of South Asian descent in gnomAD. At this time, the clinical significance of this variant is uncertain due to the absence of conclusive functional and genetic evidence.